The following is an entry in ClinVar:

NM_001621.5(AHR):c.1459A>G (p.Asn487Asp)

Gene: AHR (aryl hydrocarbon receptor; plus strand). Cytogenetic location: 7p21.1.
Variant type: single nucleotide variant.
Coding change: c.1459A>G on transcript NM_001621.5 (MANE Select); coding-DNA position 1459, A replaced by G.
Protein change: p.Asn487Asp; replaces asparagine 487 with aspartic acid.
Molecular consequence: missense variant.
Genome position (GRCh38, 1-based): chr7:17,339,284, A>G. VCF-style: chr7-17339284-A-G. GRCh37 (hg19) VCF-style: chr7-17378908-A-G.
Other names: short protein forms N487D.
Identifiers: ClinVar variation 726412 (VCV000726412.13), dbSNP rs75519181, ClinGen allele CA4172115.

ClinVar aggregate classification (germline): Benign. Review status: criteria provided, single submitter (1 of 4 stars). 2 submissions from 2 submitters: Benign (1). 1 of the submissions does not count toward it. Last evaluated 2026-01-12.

Conditions:
AHR-related disorder. Also called: AHR-related condition.

Allele frequency attached by ClinVar (database versions not stated): gnomAD 0.00048 and 0.00064; gnomAD exomes 0.00056 and 0.00164; TOPMed 0.00103; 1000 Genomes Project 0.00140; 1000 Genomes Project 30x 0.00141; ExAC 0.00173.
gnomAD v4.1: 912 of 1,614,206 alleles (0.056%); highest among the groups gnomAD compares: East Asian, 1.8%; 13 homozygotes.

Submissions (2):

Labcorp Genetics (formerly Invitae), Labcorp
Classification: Benign. Last evaluated: 2026-01-12. Review status: criteria provided, single submitter. Criteria: Invitae Variant Classification Sherloc (09022015). Collection method: clinical testing. Allele origin: germline.

PreventionGenetics, part of Exact Sciences
Classification: Benign for AHR-related condition. Last evaluated: 2024-09-11. Review status: no assertion criteria provided. Collection method: clinical testing. Allele origin: germline. Not counted in ClinVar's aggregate classification.
Comment: This variant is classified as benign based on ACMG/AMP sequence variant interpretation guidelines (Richards et al. 2015 PMID: 25741868, with internal and published modifications).